The following is an entry in ClinVar:

ClinVar aggregate classification (germline): Uncertain significance (1 of 4 stars; one submission).

Conditions:
Neuropathy, hereditary sensory, type 1F. Also called: HSN IF; Hereditary sensory neuropathy type IF. Identifiers: Orphanet 36386, MedGen C3810194, MONDO:0014286, OMIM 615632.

gnomAD v4.1: 17 of 1,586,288 alleles (0.0011%); highest among the groups gnomAD compares: Non-Finnish European, 0.0015%; no homozygotes.

Submission:

Labcorp Genetics (formerly Invitae), Labcorp
Classification: Uncertain significance for Neuropathy, hereditary sensory, type 1F. Last evaluated: 2025-10-07. Review status: criteria provided, single submitter. Criteria: Invitae Variant Classification Sherloc (09022015). Collection method: clinical testing. Allele origin: germline.
Comment: This sequence change replaces serine, which is neutral and polar, with cysteine, which is neutral and slightly polar, at codon 3 of the ATL3 protein (p.Ser3Cys). This variant is not present in population databases (gnomAD no frequency). This variant has not been reported in the literature in individuals affected with ATL3-related conditions. ClinVar contains an entry for this variant (Variation ID: 3699475). An algorithm developed to predict the effect of missense changes on protein structure and function (PolyPhen-2) suggests that this variant is likely to be disruptive. In summary, the available evidence is currently insufficient to determine the role of this variant in disease. Therefore, it has been classified as a Variant of Uncertain Significance.

NM_015459.5(ATL3):c.8C>G (p.Ser3Cys)

Gene: ATL3 (atlastin GTPase 3; minus strand). Cytogenetic location: 11q13.1.
Variant type: single nucleotide variant.
Coding change: c.8C>G on transcript NM_015459.5 (MANE Select); coding-DNA position 8, C replaced by G.
Protein change: p.Ser3Cys; replaces serine 3 with cysteine.
Molecular consequence: missense variant. On other transcripts: intron variant (1).
Genome position (GRCh38, 1-based): chr11:63,671,328, G>C on the plus strand (C>G on the coding strand, the complement: ATL3 is on the minus strand). VCF-style: chr11-63671328-G-C. GRCh37 (hg19) VCF-style: chr11-63438800-G-C.
Other names: c.-9+308C>G (NM_001290048.2); short protein forms S3C.
Identifiers: ClinVar variation 3699475 (VCV003699475.2).